The following is an entry in ClinVar:

ClinVar aggregate classification (germline): Uncertain significance. Review status: criteria provided, multiple submitters, no conflicts (2 of 4 stars). 3 submissions from 3 submitters: Uncertain significance (3). Last evaluated 2024-11-05.

Conditions:
Joubert syndrome 16 (JBTS16). Identifiers: Orphanet 2318, MedGen C3280906, MONDO:0013764, OMIM 614465.

Allele frequency attached by ClinVar (database versions not stated): gnomAD exomes 0.00001; ExAC 0.00002.
gnomAD v4.1: 18 of 1,611,404 alleles (0.0011%); highest among the groups gnomAD compares: Non-Finnish European, 0.0014%; no homozygotes.

Submissions (3):

Labcorp Genetics (formerly Invitae), Labcorp
Classification: Uncertain significance for Joubert syndrome 16. Last evaluated: 2024-11-05. Review status: criteria provided, single submitter. Criteria: Invitae Variant Classification Sherloc (09022015). Collection method: clinical testing. Allele origin: germline.
Comment: This sequence change replaces arginine, which is basic and polar, with histidine, which is basic and polar, at codon 103 of the TMEM138 protein (p.Arg103His). This variant is present in population databases (rs781769843, gnomAD 0.002%). This variant has not been reported in the literature in individuals affected with TMEM138-related conditions. ClinVar contains an entry for this variant (Variation ID: 305062). An algorithm developed to predict the effect of missense changes on protein structure and function (PolyPhen-2) suggests that this variant is likely to be disruptive. In summary, the available evidence is currently insufficient to determine the role of this variant in disease. Therefore, it has been classified as a Variant of Uncertain Significance.

Fulgent Genetics
Classification: Uncertain significance for Joubert syndrome 16. Last evaluated: 2024-05-02. Review status: criteria provided, single submitter. Criteria: ACMG Guidelines, 2015. Collection method: clinical testing. Allele origin: germline.

Illumina Laboratory Services, Illumina
Classification: Uncertain significance for Joubert syndrome 16. Last evaluated: 2018-01-13. Review status: criteria provided, single submitter. Criteria: ICSL Variant Classification Criteria 13 December 2019. Collection method: clinical testing. Allele origin: germline.

NM_016464.5(TMEM138):c.308G>A (p.Arg103His)

Gene: TMEM138 (transmembrane protein 138; plus strand). Cytogenetic location: 11q12.2.
Variant type: single nucleotide variant.
Coding change: c.308G>A on transcript NM_016464.5 (MANE Select); coding-DNA position 308, G replaced by A.
Protein change: p.Arg103His; replaces arginine 103 with histidine.
Molecular consequence: missense variant. On other transcripts: non-coding transcript variant (1).
Genome position (GRCh38, 1-based): chr11:61,367,930, G>A. VCF-style: chr11-61367930-G-A. GRCh37 (hg19) VCF-style: chr11-61135402-G-A.
Other names: c.134G>A, p.Arg45His (NM_001330281.2); short protein forms R103H, R45H.
Identifiers: ClinVar variation 305062 (VCV000305062.10), dbSNP rs781769843, ClinGen allele CA6034590.
Genomic context (GRCh38, chr11:61,367,930, plus strand): 5'-ACATTAGGGCTTCTTGTGGCCATTAACTTTTGTGTATCTCACATCTCCTTCAGAACTTAC[G>A]CTGGAAAAACTCCAACAGCTTCATATGGACAGATGGACTTCAAATGCTGTTTGTATTCCA-3'
Protein context (NP_057548.1, residues 93-113): ISLHVWVMNL[Arg103His]WKNSNSFIWT